The following is an entry in ClinVar:

ClinVar aggregate classification (germline): Likely benign (1 of 4 stars; one submission).

Allele frequency attached by ClinVar (database versions not stated): gnomAD exomes 0.00001 and below 0.00001; TOPMed below 0.00001; gnomAD 0.00001.
gnomAD v4.1: 5 of 1,613,096 alleles (0.00031%); highest among the groups gnomAD compares: Admixed American, 0.0033%; no homozygotes.

Submission:

GeneDx
Classification: Likely benign. Last evaluated: 2018-02-06. Review status: criteria provided, single submitter. Criteria: GeneDx Variant Classification (06012015). Collection method: clinical testing. Allele origin: germline. Affected: yes.
Comment: This variant is considered likely benign or benign based on one or more of the following criteria: it is a conservative change, it occurs at a poorly conserved position in the protein, it is predicted to be benign by multiple in silico algorithms, and/or has population frequency not consistent with disease.

NM_001267550.2(TTN):c.66954C>A (p.Phe22318Leu)

Genes: TTN (titin; minus strand), TTN-AS1 (TTN antisense RNA 1; plus strand). Cytogenetic location: 2q31.2.
Variant type: single nucleotide variant.
Coding change: c.66954C>A on transcript NM_001267550.2 (MANE Select); coding-DNA position 66954, C replaced by A.
Protein change: p.Phe22318Leu; replaces phenylalanine 22318 with leucine.
Molecular consequence: missense variant.
Genome position (GRCh38, 1-based): chr2:178,580,425, G>T on the plus strand (C>A on the coding strand, the complement: TTN is on the minus strand). VCF-style: chr2-178580425-G-T. GRCh37 (hg19) VCF-style: chr2-179445152-G-T.
Other names: c.62031C>A, p.Phe20677Leu (NM_001256850.1); c.39759C>A, p.Phe13253Leu (NM_003319.4); c.59250C>A, p.Phe19750Leu (NM_133378.4); c.40134C>A, p.Phe13378Leu (NM_133432.3); c.40335C>A, p.Phe13445Leu (NM_133437.4); short protein forms F20677L, F22318L, F13253L, F13378L, F19750L, F13445L.
Identifiers: ClinVar variation 515369 (VCV000515369.1), dbSNP rs1282369228, ClinGen allele CA349425226.